The following is an entry in ClinVar:

ClinVar aggregate classification (germline): Uncertain significance. Review status: criteria provided, multiple submitters, no conflicts (2 of 4 stars). 2 submissions from 2 submitters: Uncertain significance (2). Last evaluated 2024-05-15.

Conditions:
Epileptic encephalopathy. Identifiers: MedGen C0543888, HP:0200134.

gnomAD v4.1: 1 of 1,614,004 alleles (0.000062%); highest among the groups gnomAD compares: Non-Finnish European, 0.000085%; no homozygotes.

Submissions (2):

Labcorp Genetics (formerly Invitae), Labcorp
Classification: Uncertain significance for Epileptic encephalopathy. Last evaluated: 2024-05-15. Review status: criteria provided, single submitter. Criteria: Invitae Variant Classification Sherloc (09022015). Collection method: clinical testing. Allele origin: germline.
Comment: This sequence change replaces leucine, which is neutral and non-polar, with valine, which is neutral and non-polar, at codon 809 of the GABBR2 protein (p.Leu809Val). This variant is present in population databases (no rsID available, gnomAD 0.0009%). This variant has not been reported in the literature in individuals affected with GABBR2-related conditions. Advanced modeling of protein sequence and biophysical properties (such as structural, functional, and spatial information, amino acid conservation, physicochemical variation, residue mobility, and thermodynamic stability) performed at Invitae indicates that this missense variant is not expected to disrupt GABBR2 protein function with a negative predictive value of 80%. In summary, the available evidence is currently insufficient to determine the role of this variant in disease. Therefore, it has been classified as a Variant of Uncertain Significance.

CeGaT Center for Human Genetics Tuebingen
Classification: Uncertain significance. Last evaluated: 2023-11-01. Review status: criteria provided, single submitter. Criteria: CeGaT Center For Human Genetics Tuebingen Variant Classification Criteria Version 2. Collection method: clinical testing. Allele origin: germline. Affected: yes. Observed: 1 variant allele.
Comment: GABBR2: PM2

NM_005458.8(GABBR2):c.2425T>G (p.Leu809Val)

Gene: GABBR2 (gamma-aminobutyric acid type B receptor subunit 2; minus strand). Cytogenetic location: 9q22.33.
Variant type: single nucleotide variant.
Coding change: c.2425T>G on transcript NM_005458.8 (MANE Select); coding-DNA position 2425, T replaced by G.
Protein change: p.Leu809Val; replaces leucine 809 with valine.
Molecular consequence: missense variant.
Genome position (GRCh38, 1-based): chr9:98,299,341, A>C on the plus strand (T>G on the coding strand, the complement: GABBR2 is on the minus strand). VCF-style: chr9-98299341-A-C. GRCh37 (hg19) VCF-style: chr9-101061623-A-C.
Other names: short protein forms L809V.
Identifiers: ClinVar variation 2673182 (VCV002673182.26), dbSNP rs1388522782, ClinGen allele CA374194101.